The following is an entry in ClinVar:

NM_001378964.1(CDON):c.25T>G (p.Cys9Gly)

Gene: CDON (cell adhesion associated, oncogene regulated; minus strand). Cytogenetic location: 11q24.2.
Variant type: single nucleotide variant.
Coding change: c.25T>G on transcript NM_001378964.1 (MANE Select); coding-DNA position 25, T replaced by G.
Protein change: p.Cys9Gly; replaces cysteine 9 with glycine.
Molecular consequence: missense variant.
Genome position (GRCh38, 1-based): chr11:126,023,452, A>C on the plus strand (T>G on the coding strand, the complement: CDON is on the minus strand). VCF-style: chr11-126023452-A-C. GRCh37 (hg19) VCF-style: chr11-125893347-A-C.
Other names: c.25T>G, p.Cys9Gly (NM_001243597.3, NM_016952.6); short protein forms C9G.
Identifiers: ClinVar variation 2058601 (VCV002058601.1), dbSNP rs747426609, ClinGen allele CA6352447.

ClinVar aggregate classification (germline): Uncertain significance (1 of 4 stars; one submission).

Conditions:
Holoprosencephaly 11 (HPE11). Identifiers: Orphanet 2162, MedGen C3280215, MONDO:0013642, OMIM 614226.

Allele frequency attached by ClinVar (database versions not stated): ExAC 0.00001.
gnomAD v4.1: 3 of 1,613,340 alleles (0.00019%); highest among the groups gnomAD compares: African/African-American, 0.0027%; no homozygotes.

Submission:

Labcorp Genetics (formerly Invitae), Labcorp
Classification: Uncertain significance for Holoprosencephaly 11. Last evaluated: 2022-09-07. Review status: criteria provided, single submitter. Criteria: Invitae Variant Classification Sherloc (09022015). Collection method: clinical testing. Allele origin: germline.
Comment: This sequence change replaces cysteine, which is neutral and slightly polar, with glycine, which is neutral and non-polar, at codon 9 of the CDON protein (p.Cys9Gly). This variant is present in population databases (rs747426609, gnomAD 0.0009%). This variant has not been reported in the literature in individuals affected with CDON-related conditions. Algorithms developed to predict the effect of missense changes on protein structure and function (SIFT, PolyPhen-2, Align-GVGD) all suggest that this variant is likely to be tolerated. Algorithms developed to predict the effect of sequence changes on RNA splicing suggest that this variant may create or strengthen a splice site. In summary, the available evidence is currently insufficient to determine the role of this variant in disease. Therefore, it has been classified as a Variant of Uncertain Significance.